The following is an entry in ClinVar:

ClinVar aggregate classification (germline): Uncertain significance (1 of 4 stars; one submission).

Conditions:
Inborn genetic diseases. Identifiers: MedGen C0950123, MeSH D030342.

Submission:

Ambry Genetics
Classification: Uncertain significance for Inborn genetic diseases. Last evaluated: 2025-01-09. Review status: criteria provided, single submitter. Criteria: Ambry Variant Classification Scheme 2023. Collection method: clinical testing. Allele origin: germline.
Comment: The p.H946D variant (also known as c.2836C>G), located in coding exon 28 of the RTEL1 gene, results from a C to G substitution at nucleotide position 2836. The histidine at codon 946 is replaced by aspartic acid, an amino acid with similar properties. This amino acid position is conserved. In addition, the in silico prediction for this alteration is inconclusive. Based on the available evidence, the clinical significance of this variant remains unclear.

NM_001283009.2(RTEL1):c.2836C>G (p.His946Asp)

Genes: RTEL1 (regulator of telomere elongation helicase 1; plus strand), RTEL1-TNFRSF6B (RTEL1-TNFRSF6B readthrough (NMD candidate); plus strand). Cytogenetic location: 20q13.33.
Variant type: single nucleotide variant.
Coding change: c.2836C>G on transcript NM_001283009.2 (MANE Select); coding-DNA position 2836, C replaced by G.
Protein change: p.His946Asp; replaces histidine 946 with aspartic acid.
Molecular consequence: missense variant. On other transcripts: non-coding transcript variant (1).
Genome position (GRCh38, 1-based): chr20:63,692,988, C>G. VCF-style: chr20-63692988-C-G. GRCh37 (hg19) VCF-style: chr20-62324341-C-G.
Other names: c.2167C>G, p.His723Asp (NM_001283010.1); c.2836C>G, p.His946Asp (NM_016434.4); c.2908C>G, p.His970Asp (NM_032957.5); short protein forms H723D, H946D, H970D.
Identifiers: ClinVar variation 3791049 (VCV003791049.1).